The following is an entry in ClinVar:

NM_001112741.2(KCNC1):c.1094A>G (p.Tyr365Cys)

Gene: KCNC1 (potassium voltage-gated channel subfamily C member 1; plus strand). Cytogenetic location: 11p15.1.
Variant type: single nucleotide variant.
Coding change: c.1094A>G on transcript NM_001112741.2 (MANE Select); coding-DNA position 1094, A replaced by G.
Protein change: p.Tyr365Cys; replaces tyrosine 365 with cysteine.
Molecular consequence: missense variant.
Genome position (GRCh38, 1-based): chr11:17,772,188, A>G. VCF-style: chr11-17772188-A-G. GRCh37 (hg19) VCF-style: chr11-17793735-A-G.
Other names: c.1094A>G, p.Tyr365Cys (NM_004976.4); short protein forms Y365C.
Identifiers: ClinVar variation 1307988 (VCV001307988.2), dbSNP rs2133805274, ClinGen allele CA379808115.

ClinVar aggregate classification (germline): Uncertain significance (1 of 4 stars; one submission).

Submission:

GeneDx
Classification: Uncertain significance. Last evaluated: 2019-03-14. Review status: criteria provided, single submitter. Criteria: GeneDx Variant Classification Process June 2021. Collection method: clinical testing. Allele origin: germline. Affected: yes.
Comment: Not observed in large population cohorts (Lek et al., 2016); In silico analysis, which includes protein predictors and evolutionary conservation, supports a deleterious effect; Has not been previously published as pathogenic or benign to our knowledge